The following is an entry in ClinVar:

NM_032444.4(SLX4):c.139T>G (p.Ser47Ala)

Gene: SLX4 (SLX4 structure-specific endonuclease subunit; minus strand). Cytogenetic location: 16p13.3.
Variant type: single nucleotide variant.
Coding change: c.139T>G on transcript NM_032444.4 (MANE Select); coding-DNA position 139, T replaced by G.
Protein change: p.Ser47Ala; replaces serine 47 with alanine.
Molecular consequence: missense variant.
Genome position (GRCh38, 1-based): chr16:3,608,826, A>C on the plus strand (T>G on the coding strand, the complement: SLX4 is on the minus strand). VCF-style: chr16-3608826-A-C. GRCh37 (hg19) VCF-style: chr16-3658827-A-C.
Other names: short protein forms S47A.
Identifiers: ClinVar variation 2125667 (VCV002125667.4), dbSNP rs763316825, ClinGen allele CA394547872.

ClinVar aggregate classification (germline): Uncertain significance (1 of 4 stars; one submission).

Conditions:
Fanconi anemia (FA). Also called: Fanconi's anemia. Identifiers: Orphanet 84, MedGen C0015625, MeSH D005199, MONDO:0019391.

Submission:

Labcorp Genetics (formerly Invitae), Labcorp
Classification: Uncertain significance for Fanconi anemia. Last evaluated: 2022-04-19. Review status: criteria provided, single submitter. Criteria: Invitae Variant Classification Sherloc (09022015). Collection method: clinical testing. Allele origin: germline.
Comment: This sequence change replaces serine, which is neutral and polar, with alanine, which is neutral and non-polar, at codon 47 of the SLX4 protein (p.Ser47Ala). This variant is not present in population databases (gnomAD no frequency). This variant has not been reported in the literature in individuals affected with SLX4-related conditions. Algorithms developed to predict the effect of missense changes on protein structure and function are either unavailable or do not agree on the potential impact of this missense change (SIFT: "Deleterious"; PolyPhen-2: "Probably Damaging"; Align-GVGD: "Class C0"). In summary, the available evidence is currently insufficient to determine the role of this variant in disease. Therefore, it has been classified as a Variant of Uncertain Significance.